The following is an entry in ClinVar:

ClinVar aggregate classification (germline): Uncertain significance. Review status: criteria provided, multiple submitters, no conflicts (2 of 4 stars). 4 submissions from 4 submitters: Uncertain significance (4). Last evaluated 2023-11-13.

Conditions:
Hereditary nonpolyposis colorectal neoplasms. Identifiers: MedGen C0009405, MeSH D003123.
Hereditary cancer-predisposing syndrome. Also called: Hereditary Cancer Syndrome; Tumor predisposition; Neoplastic Syndromes, Hereditary; Hereditary neoplastic syndrome. Identifiers: Orphanet 140162, MedGen C0027672, MeSH D009386, MONDO:0015356.

Submissions (4):

Color Diagnostics, LLC DBA Color Health
Classification: Uncertain significance for Hereditary cancer-predisposing syndrome. Last evaluated: 2023-11-13. Review status: criteria provided, single submitter. Criteria: ACMG Guidelines, 2015. Collection method: clinical testing. Allele origin: germline.
Comment: This missense variant replaces alanine with glycine at codon 821 of the PMS2 protein. Computational prediction suggests that this variant may not impact protein structure and function (internally defined REVEL score threshold <= 0.5, PMID: 27666373). To our knowledge, functional studies have not been reported for this variant. This variant has not been reported in individuals affected with PMS2-related disorders in the literature. This variant has not been identified in the general population by the Genome Aggregation Database (gnomAD). The available evidence is insufficient to determine the role of this variant in disease conclusively. Therefore, this variant is classified as a Variant of Uncertain Significance.

Labcorp Genetics (formerly Invitae), Labcorp
Classification: Uncertain significance for Hereditary nonpolyposis colorectal neoplasms. Last evaluated: 2023-10-18. Review status: criteria provided, single submitter. Criteria: Invitae Variant Classification Sherloc (09022015). Collection method: clinical testing. Allele origin: germline.
Comment: This sequence change replaces alanine, which is neutral and non-polar, with glycine, which is neutral and non-polar, at codon 821 of the PMS2 protein (p.Ala821Gly). The frequency data for this variant in the population databases (gnomAD) is considered unreliable due to the presence of homologous sequence, such as pseudogenes or paralogs, in the genome. This variant has not been reported in the literature in individuals affected with PMS2-related conditions. ClinVar contains an entry for this variant (Variation ID: 1329000). Advanced modeling of protein sequence and biophysical properties (such as structural, functional, and spatial information, amino acid conservation, physicochemical variation, residue mobility, and thermodynamic stability) performed at Invitae indicates that this missense variant is expected to disrupt PMS2 protein function. In summary, the available evidence is currently insufficient to determine the role of this variant in disease. Therefore, it has been classified as a Variant of Uncertain Significance.

Women's Health and Genetics/Laboratory Corporation of America, LabCorp
Classification: Uncertain significance. Last evaluated: 2021-11-08. Review status: criteria provided, single submitter. Criteria: LabCorp Variant Classification Summary - May 2015. Collection method: clinical testing. Allele origin: germline.

Ambry Genetics
Classification: Uncertain significance for Hereditary cancer-predisposing syndrome. Last evaluated: 2017-03-06. Review status: criteria provided, single submitter. Criteria: Ambry Variant Classification Scheme 2023. Collection method: clinical testing. Allele origin: germline.
Comment: The p.A821G variant (also known as c.2462C>G), located in coding exon 15 of the PMS2 gene, results from a C to G substitution at nucleotide position 2462. The alanine at codon 821 is replaced by glycine, an amino acid with similar properties. This amino acid position is highly conserved in available vertebrate species. In addition, the in silico prediction for this alteration is inconclusive. Since supporting evidence is limited at this time, the clinical significance of this alteration remains unclear.

NM_000535.7(PMS2):c.2462C>G (p.Ala821Gly)

Gene: PMS2 (PMS1 homolog 2, mismatch repair system component; minus strand). Cytogenetic location: 7p22.1.
Variant type: single nucleotide variant.
Coding change: c.2462C>G on transcript NM_000535.7 (MANE Select); coding-DNA position 2462, C replaced by G.
Protein change: p.Ala821Gly; replaces alanine 821 with glycine.
Molecular consequence: missense variant. On other transcripts: non-coding transcript variant (1).
Genome position (GRCh38, 1-based): chr7:5,973,526, G>C on the plus strand (C>G on the coding strand, the complement: PMS2 is on the minus strand). VCF-style: chr7-5973526-G-C. GRCh37 (hg19) VCF-style: chr7-6013157-G-C.
Other names: c.2057C>G, p.Ala686Gly (NM_001322003.2, NM_001322004.2, NM_001322005.2); c.2306C>G, p.Ala769Gly (NM_001322006.2); c.2144C>G, p.Ala715Gly (NM_001322007.2, NM_001322008.2); c.2090C>G, p.Ala697Gly (NM_001322009.2); c.1901C>G, p.Ala634Gly (NM_001322010.2); c.1529C>G, p.Ala510Gly (NM_001322011.2, NM_001322012.2); c.1889C>G, p.Ala630Gly (NM_001322013.2); c.2495C>G, p.Ala832Gly (NM_001322014.2); and 1 more; short protein forms A510G, A630G, A634G, A686G, A697G, A715G, A718G, A769G.
Identifiers: ClinVar variation 1329000 (VCV001329000.7), dbSNP rs2128658992, ClinGen allele CA366735011.